The following is an entry in ClinVar:

ClinVar aggregate classification (germline): Uncertain significance. Review status: criteria provided, multiple submitters, no conflicts (2 of 4 stars). 2 submissions from 2 submitters: Uncertain significance (2). Last evaluated 2025-12-20.

Conditions:
Inborn genetic diseases. Identifiers: MedGen C0950123, MeSH D030342.

gnomAD v4.1: 12 of 1,283,526 alleles (0.00093%); highest among the groups gnomAD compares: Non-Finnish European, 0.0012%; no homozygotes.

Submissions (2):

Labcorp Genetics (formerly Invitae), Labcorp
Classification: Uncertain significance. Last evaluated: 2025-12-20. Review status: criteria provided, single submitter. Criteria: Invitae Variant Classification Sherloc (09022015). Collection method: clinical testing. Allele origin: germline.
Comment: This sequence change replaces arginine, which is basic and polar, with serine, which is neutral and polar, at codon 197 of the CDK13 protein (p.Arg197Ser). This variant is not present in population databases (gnomAD no frequency). This variant has not been reported in the literature in individuals affected with CDK13-related conditions. ClinVar contains an entry for this variant (Variation ID: 3999569). Invitae Evidence Modeling of protein sequence and biophysical properties (such as structural, functional, and spatial information, amino acid conservation, physicochemical variation, residue mobility, and thermodynamic stability) indicates that this missense variant is not expected to disrupt CDK13 protein function with a negative predictive value of 95%. In summary, the available evidence is currently insufficient to determine the role of this variant in disease. Therefore, it has been classified as a Variant of Uncertain Significance.

Ambry Genetics
Classification: Uncertain significance for Inborn genetic diseases. Last evaluated: 2025-05-16. Review status: criteria provided, single submitter. Criteria: Ambry Variant Classification Scheme 2023. Collection method: clinical testing. Allele origin: germline.

NM_003718.5(CDK13):c.591G>T (p.Arg197Ser)

Genes: CDK13 (cyclin dependent kinase 13; plus strand), LOC129998293 (ATAC-STARR-seq lymphoblastoid silent region 18116; plus strand). Cytogenetic location: 7p14.1.
Variant type: single nucleotide variant.
Coding change: c.591G>T on transcript NM_003718.5 (MANE Select); coding-DNA position 591, G replaced by T.
Protein change: p.Arg197Ser; replaces arginine 197 with serine.
Molecular consequence: missense variant.
Genome position (GRCh38, 1-based): chr7:39,951,232, G>T. VCF-style: chr7-39951232-G-T. GRCh37 (hg19) VCF-style: chr7-39990831-G-T.
Other names: c.591G>T, p.Arg197Ser (NM_031267.4); short protein forms R197S.
Identifiers: ClinVar variation 3999569 (VCV003999569.2).
Genomic context (GRCh38, chr7:39,951,232, plus strand): 5'-CGGCGGGAGTCCGGCCTCCTCCTCCGGCACCCAGCGGCGCGGGGAGGGGTCGGAGCGCAG[G>T]CCCCGCCGGGACCGCCGCAGCAGCAGTGGCCGCAGCAAGGAGCGCCACCGCGAGCACCGG-3'
Protein context (NP_003709.3, residues 187-207): TQRRGEGSER[Arg197Ser]PRRDRRSSSG